The following is an entry in ClinVar:

NM_000059.4(BRCA2):c.2025del (p.Cys676fs)

Gene: BRCA2 (BRCA2 DNA repair associated; plus strand). Cytogenetic location: 13q13.1.
Variant type: Deletion.
Coding change: c.2025del on transcript NM_000059.4 (MANE Select); coding-DNA position 2025, one base deleted (A; older notation c.2025delA).
Protein change: p.Cys676fs; shifts the reading frame from cysteine 676.
Molecular consequence: frameshift variant.
Genome position (GRCh38, 1-based): chr13:32,336,380, A deleted. VCF-style (leftmost placement, unchanged base first): chr13-32336379-CA-C. GRCh37 (hg19) VCF-style: chr13-32910516-CA-C.
Other names: 2253delA; c.2025delA (NM_000059.3); short protein forms C676fs.
Identifiers: ClinVar variation 91766 (VCV000091766.2), dbSNP rs398122737, ClinGen allele CA014147.

ClinVar aggregate classification (germline): Pathogenic. Review status: reviewed by expert panel (3 of 4 stars). 2 submissions from 2 submitters: Pathogenic (1). 1 of the submissions does not count toward it. Last evaluated 2016-09-08.

Conditions:
Breast-ovarian cancer, familial, susceptibility to, 2 (BROVCA2). Also called: BRCA2 Hereditary Breast and Ovarian Cancer. Identifiers: Orphanet 145, MedGen C2675520, MONDO:0012933, OMIM 612555. Disease mechanism: loss of function.

Submissions (2):

Evidence-based Network for the Interpretation of Germline Mutant Alleles (ENIGMA)
Classification: Pathogenic for Breast-ovarian cancer, familial, susceptibility to, 2. Last evaluated: 2016-09-08. Review status: reviewed by expert panel. Criteria: ENIGMA BRCA1/2 Classification Criteria (2015). Collection method: curation. Allele origin: germline.
Comment: Variant allele predicted to encode a truncated non-functional protein.

Sharing Clinical Reports Project (SCRP)
Classification: Pathogenic for Breast-ovarian cancer, familial 2. Last evaluated: 2011-02-22. Review status: no assertion criteria provided. Collection method: clinical testing. Allele origin: germline. Not counted in ClinVar's aggregate classification.